The following is an entry in ClinVar:

ClinVar aggregate classification (germline): Uncertain significance (1 of 4 stars; one submission).

Conditions:
Cardiovascular phenotype. Identifiers: MedGen CN230736.

Submission:

Ambry Genetics
Classification: Uncertain significance for Cardiovascular phenotype. Last evaluated: 2025-10-26. Review status: criteria provided, single submitter. Criteria: Ambry Variant Classification Scheme 2023. Collection method: clinical testing. Allele origin: germline.
Comment: The p.S1308I variant (also known as c.3923G>T), located in coding exon 2 of the ZNF469 gene, results from a G to T substitution at nucleotide position 3923. The serine at codon 1308 is replaced by isoleucine, an amino acid with dissimilar properties. This amino acid position is conserved. In addition, this alteration is predicted to be tolerated by in silico analysis. Based on the available evidence, the clinical significance of this variant remains unclear.

NM_001127464.1:c.3923G>T

Gene: ZNF469 (zinc finger protein 469; plus strand).
Variant type: single nucleotide variant.
Identifiers: ClinVar variation 4615473 (VCV004615473.1).